The following is an entry in ClinVar:

ClinVar aggregate classification (germline): Uncertain significance. Review status: criteria provided, multiple submitters, no conflicts (2 of 4 stars). 2 submissions from 2 submitters: Uncertain significance (2). Last evaluated 2024-11-06.

gnomAD v4.1: 8 of 1,613,762 alleles (0.0005%); highest among the groups gnomAD compares: African/African-American, 0.0093%; no homozygotes.

Submissions (2):

Blueprint Genetics
Classification: Uncertain significance. Last evaluated: 2024-11-06. Review status: criteria provided, single submitter. Criteria: ACMG Guidelines, 2015. Collection method: clinical testing. Allele origin: germline.

Labcorp Genetics (formerly Invitae), Labcorp
Classification: Uncertain significance. Last evaluated: 2022-10-29. Review status: criteria provided, single submitter. Criteria: Invitae Variant Classification Sherloc (09022015). Collection method: clinical testing. Allele origin: germline.
Comment: Advanced modeling of protein sequence and biophysical properties (such as structural, functional, and spatial information, amino acid conservation, physicochemical variation, residue mobility, and thermodynamic stability) performed at Invitae indicates that this missense variant is not expected to disrupt SAG protein function. In summary, the available evidence is currently insufficient to determine the role of this variant in disease. Therefore, it has been classified as a Variant of Uncertain Significance. This variant has not been reported in the literature in individuals affected with SAG-related conditions. This variant is present in population databases (no rsID available, gnomAD 0.01%). This sequence change replaces histidine, which is basic and polar, with glutamine, which is neutral and polar, at codon 305 of the SAG protein (p.His305Gln).

NM_000541.5(SAG):c.915C>G (p.His305Gln)

Gene: SAG (S-antigen visual arrestin; plus strand). Cytogenetic location: 2q37.1.
Variant type: single nucleotide variant.
Coding change: c.915C>G on transcript NM_000541.5 (MANE Select); coding-DNA position 915, C replaced by G.
Protein change: p.His305Gln; replaces histidine 305 with glutamine.
Molecular consequence: missense variant.
Genome position (GRCh38, 1-based): chr2:233,335,070, C>G. VCF-style: chr2-233335070-C-G. GRCh37 (hg19) VCF-style: chr2-234243716-C-G.
Other names: short protein forms H305Q.
Identifiers: ClinVar variation 2987499 (VCV002987499.4), dbSNP rs745813550, ClinGen allele CA67557043.